The following is an entry in ClinVar:

NM_203447.4(DOCK8):c.6028C>T (p.His2010Tyr)

Gene: DOCK8 (dedicator of cytokinesis 8; plus strand). Cytogenetic location: 9p24.3.
Variant type: single nucleotide variant.
Coding change: c.6028C>T on transcript NM_203447.4 (MANE Select); coding-DNA position 6028, C replaced by T.
Protein change: p.His2010Tyr; replaces histidine 2010 with tyrosine.
Molecular consequence: missense variant.
Genome position (GRCh38, 1-based): chr9:452,077, C>T. VCF-style: chr9-452077-C-T. GRCh37 (hg19) VCF-style: chr9-452077-C-T.
Other names: c.5728C>T, p.His1910Tyr (NM_001190458.2); c.5824C>T, p.His1942Tyr (NM_001193536.2); short protein forms H1910Y, H1942Y, H2010Y.
Identifiers: ClinVar variation 1053676 (VCV001053676.13), dbSNP rs1173350533, ClinGen allele CA372769765.
Genomic context (GRCh38, chr9:452,077, plus strand): 5'-CTGGAAGTAGCCCAAGTGTTTTTGGCTGAAATTCCTGCTGATCCAAAACTCTATCGACAT[C>T]ACAACAAGTTGAGGTTATGCTTTAAGGAATTCATCATGAGGTAAGAAGGAAAATGGCTGG-3'
Protein context (NP_982272.2, residues 2000-2020): IPADPKLYRH[His2010Tyr]NKLRLCFKEF

ClinVar aggregate classification (germline): Uncertain significance (1 of 4 stars; one submission).

Conditions:
Combined immunodeficiency due to DOCK8 deficiency (HIES2). Also called: DOCK8 Deficiency; HIES autosomal recessive; Hyper-IgE recurrent infection syndrome, autosomal recessive; HYPER-IgE RECURRENT INFECTION SYNDROME 2, AUTOSOMAL RECESSIVE; HYPER-IgE SYNDROME 2, AUTOSOMAL RECESSIVE, WITH RECURRENT INFECTIONS. Identifiers: Orphanet 217390, MedGen C4722305, MONDO:0009478, OMIM 243700.

Allele frequency attached by ClinVar (database versions not stated): gnomAD exomes below 0.00001; gnomAD 0.00001.
gnomAD v4.1: 2 of 1,599,144 alleles (0.00013%); highest among the groups gnomAD compares: Admixed American, 0.0017%; no homozygotes.

Submission:

Labcorp Genetics (formerly Invitae), Labcorp
Classification: Uncertain significance for Combined immunodeficiency due to DOCK8 deficiency. Last evaluated: 2020-02-10. Review status: criteria provided, single submitter. Criteria: Invitae Variant Classification Sherloc (09022015). Collection method: clinical testing. Allele origin: germline.
Comment: This variant has not been reported in the literature in individuals with DOCK8-related conditions. In summary, the available evidence is currently insufficient to determine the role of this variant in disease. Therefore, it has been classified as a Variant of Uncertain Significance. Algorithms developed to predict the effect of missense changes on protein structure and function are either unavailable or do not agree on the potential impact of this missense change (SIFT: "Deleterious"; PolyPhen-2: "Probably Damaging"; Align-GVGD: "Class C0"). This variant is not present in population databases (ExAC no frequency). This sequence change replaces histidine with tyrosine at codon 2010 of the DOCK8 protein (p.His2010Tyr). The histidine residue is moderately conserved and there is a moderate physicochemical difference between histidine and tyrosine.